The following is an entry in ClinVar:

ClinVar aggregate classification (germline): Likely pathogenic (1 of 4 stars; one submission).

Conditions:
Familial thoracic aortic aneurysm and aortic dissection (TAAD). Also called: Thoracic aortic aneurysms and dissections. Identifiers: Orphanet 91387, MedGen C4707243, MONDO:0019625.

Submission:

Centre of Medical Genetics, University of Antwerp
Classification: Likely pathogenic for Familial thoracic aortic aneurysm and aortic dissection. Last evaluated: 2024-09-06. Review status: criteria provided, single submitter. Criteria: ACMG Guidelines, 2015. Collection method: clinical testing. Allele origin: germline. Affected: yes.
Comment: LP(PVS1; PM2)

NM_053025.4(MYLK):c.3490del (p.Asp1164fs)

Gene: MYLK (myosin light chain kinase; minus strand). Cytogenetic location: 3q21.1.
Variant type: Deletion.
Coding change: c.3490del on transcript NM_053025.4 (MANE Select); coding-DNA position 3490, one base deleted (G; older notation c.3490delG).
Protein change: p.Asp1164fs; shifts the reading frame from aspartic acid 1164.
Molecular consequence: frameshift variant.
Genome position (GRCh38, 1-based): chr3:123,692,810, C deleted on the plus strand (G on the coding strand, the reverse complement: MYLK is on the minus strand); the first of 2 consecutive C bases (chr3:123,692,810-123,692,811); deleting either gives the same sequence. VCF-style (leftmost placement, unchanged base first): chr3-123692809-TC-T. GRCh37 (hg19) VCF-style: chr3-123411656-TC-T.
Other names: c.2962del, p.Asp988fs (NM_001321309.2); c.3283del, p.Asp1095fs (NM_053026.4, NM_053028.4); c.3490del, p.Asp1164fs (NM_053027.4); short protein forms D1095fs, D1164fs, D988fs.
Identifiers: ClinVar variation 4820011 (VCV004820011.1).
Genomic context (GRCh38, chr3:123,692,809, plus strand): 5'-TGGCAGGAGCACTCCGCCTGGCCAGCGTCATTCTTGGCTACACACTTGTATAAGCCTCTG[TC>T]CTCAGGCAGTGCCTTCTCGATGGAGACGGAGCAGAGTGAGCCTGGGGAGGAAGAATTGTG-3'